The following is an entry in ClinVar:

ClinVar aggregate classification (germline): Benign (1 of 4 stars; one submission).

Allele frequency attached by ClinVar (database versions not stated): TOPMed 0.43430; gnomAD 0.43559 and 0.45390; 1000 Genomes Project 30x 0.53154; 1000 Genomes Project 0.54732.

Submission:

GeneDx
Classification: Benign. Last evaluated: 2018-06-14. Review status: criteria provided, single submitter. Criteria: GeneDx Variant Classification (06012015). Collection method: clinical testing. Allele origin: germline. Affected: yes.
Comment: This variant is considered likely benign or benign based on one or more of the following criteria: it is a conservative change, it occurs at a poorly conserved position in the protein, it is predicted to be benign by multiple in silico algorithms, and/or has population frequency not consistent with disease.

NM_002206.3(ITGA7):c.791-244T>C

Gene: ITGA7 (integrin subunit alpha 7; minus strand). Cytogenetic location: 12q13.2.
Variant type: single nucleotide variant.
Coding change: c.791-244T>C on transcript NM_002206.3 (MANE Select); 244 bases into the intron before coding-DNA position 791, T replaced by C.
Molecular consequence: intron variant.
Genome position (GRCh38, 1-based): chr12:55,699,161, A>G on the plus strand (T>C on the coding strand, the complement: ITGA7 is on the minus strand). VCF-style: chr12-55699161-A-G. GRCh37 (hg19) VCF-style: chr12-56092945-A-G.
Other names: c.512-244T>C (NM_001144997.2); c.464-244T>C (NM_001367993.1); c.452-244T>C (NM_001414035.1); c.608-244T>C (NM_001414033.1); c.-502-244T>C (NM_001367994.1); c.671-244T>C (NM_001414032.1); c.791-244T>C (NM_001414031.1, NM_001374465.1, NM_001414034.1); c.803-244T>C (NM_001414030.1, NM_001414029.1, NM_001144996.2); and 1 more.
Identifiers: ClinVar variation 682017 (VCV000682017.1), dbSNP rs11171659, ClinGen allele CA15737203.